The following is an entry in ClinVar:

NM_005120.3(MED12):c.5400+6C>T

Gene: MED12 (mediator complex subunit 12; plus strand). Cytogenetic location: Xq13.1.
Variant type: single nucleotide variant.
Coding change: c.5400+6C>T on transcript NM_005120.3 (MANE Select); 6 bases into the intron after coding-DNA position 5400, C replaced by T.
Molecular consequence: intron variant.
Genome position (GRCh38, 1-based): chrX:71,136,661, C>T. VCF-style: chrX-71136661-C-T. GRCh37 (hg19) VCF-style: chrX-70356511-C-T.
Other names: p.?.
Identifiers: ClinVar variation 197009 (VCV000197009.25), dbSNP rs192656109, ClinGen allele CA244896.

ClinVar aggregate classification (germline): Conflicting classifications of pathogenicity. Review status: criteria provided, conflicting classifications (1 of 4 stars). 10 submissions from 10 submitters: Uncertain significance (1); Benign (3); Likely benign (2). 4 of the submissions do not count toward it. Last evaluated 2026-01-27.

Conditions:
FG syndrome (FGS). Identifiers: MedGen C0220769, MONDO:0002010.
Intellectual disability. Also called: intellectual disabilities; Intellectual developmental disorder; Intellectual functioning disability. Identifiers: MedGen C3714756, MeSH D008607, MONDO:0001071, HP:0001249.

Allele frequency attached by ClinVar (database versions not stated): gnomAD exomes 0.00060 and 0.00079; ExAC 0.00074; ESP Exome Variant Server 0.00102; gnomAD 0.00118 and 0.00121; TOPMed 0.00150; 1000 Genomes Project 0.00159; 1000 Genomes Project 30x 0.00187.
gnomAD v4.1: 831 of 1,204,656 alleles (0.069%); highest among the groups gnomAD compares: Middle Eastern, 0.46%; 3 homozygotes.

Submissions (10):

Labcorp Genetics (formerly Invitae), Labcorp
Classification: Benign for FG syndrome. Last evaluated: 2026-01-27. Review status: criteria provided, single submitter. Criteria: Invitae Variant Classification Sherloc (09022015). Collection method: clinical testing. Allele origin: germline.

Mayo Clinic Laboratories, Mayo Clinic
Classification: Benign. Last evaluated: 2025-08-05. Review status: criteria provided, single submitter. Criteria: ACMG Guidelines, 2015. Collection method: clinical testing. Allele origin: germline. Observed: 1 variant allele.
Comment: BS1, BS2, BP4, BP7

Blueprint Genetics
Classification: Likely benign. Last evaluated: 2024-10-02. Review status: criteria provided, single submitter. Criteria: ACMG Guidelines, 2015. Collection method: clinical testing. Allele origin: germline.

Genetic Services Laboratory, University of Chicago
Classification: Likely benign. Last evaluated: 2017-09-07. Review status: criteria provided, single submitter. Criteria: ACMG Guidelines, 2015. Collection method: clinical testing. Allele origin: germline. Affected: no.

Eurofins Ntd Llc (ga)
Classification: Uncertain significance. Last evaluated: 2014-12-09. Review status: criteria provided, single submitter. Criteria: EGL Classification Definitions 2015. Collection method: clinical testing. Allele origin: germline. Observed: 3 variant alleles, 1 heterozygote, 2 hemizygotes.

GeneDx
Classification: Benign. Last evaluated: 2014-11-11. Review status: criteria provided, single submitter. Criteria: GeneDx Variant Classification (06012015). Collection method: clinical testing. Allele origin: germline. Affected: yes.
Comment: This variant is considered likely benign or benign based on one or more of the following criteria: it is a conservative change, it occurs at a poorly conserved position in the protein, it is predicted to be benign by multiple in silico algorithms, and/or has population frequency not consistent with disease.

Centre de Biologie Pathologie Génétique, Centre Hospitalier Universitaire de Lille
Classification: Likely benign for Intellectual disability. Last evaluated: 2019-01-01. Review status: no assertion criteria provided. Collection method: clinical testing. Allele origin: inherited. Affected: yes. Not counted in ClinVar's aggregate classification.

Clinical Genetics DNA and cytogenetics Diagnostics Lab, Erasmus MC, Erasmus Medical Center
Classification: Likely benign. Review status: no assertion criteria provided. Collection method: clinical testing. Allele origin: germline. Affected: yes. Study: VKGL Data-share Consensus. Not counted in ClinVar's aggregate classification.

Genome Diagnostics Laboratory, University Medical Center Utrecht
Classification: Likely benign. Review status: no assertion criteria provided. Collection method: clinical testing. Allele origin: germline. Affected: yes. Study: VKGL Data-share Consensus. Not counted in ClinVar's aggregate classification.

Laboratory of Diagnostic Genome Analysis, Leiden University Medical Center (LUMC)
Classification: Likely benign. Review status: no assertion criteria provided. Collection method: clinical testing. Allele origin: germline. Affected: yes. Study: VKGL Data-share Consensus. Not counted in ClinVar's aggregate classification.